The following is an entry in ClinVar:

ClinVar aggregate classification (germline): Conflicting classifications of pathogenicity. Review status: criteria provided, conflicting classifications (1 of 4 stars). 2 submissions from 2 submitters: Uncertain significance (1); Likely benign (1). Last evaluated 2026-01-20.

Conditions:
Hereditary cancer-predisposing syndrome. Also called: Neoplastic Syndromes, Hereditary; Tumor predisposition; Hereditary Cancer Syndrome; Hereditary neoplastic syndrome. Identifiers: Orphanet 140162, MedGen C0027672, MeSH D009386, MONDO:0015356.
Hereditary breast ovarian cancer syndrome. Also called: Hereditary breast and ovarian cancer syndrome (HBOC); BRCA1- and BRCA2-Associated Hereditary Breast and Ovarian Cancer; Hereditary breast and/or ovarian cancer syndrome; Hereditary breast and ovarian cancer; Breast and ovarian cancer; Hereditary breast and ovarian cancer syndrome. Identifiers: Orphanet 145, MedGen C0677776, MeSH D061325, MONDO:0003582. Disease mechanism: loss of function.

Submissions (2):

Labcorp Genetics (formerly Invitae), Labcorp
Classification: Uncertain significance for Hereditary breast ovarian cancer syndrome. Last evaluated: 2026-01-20. Review status: criteria provided, single submitter. Criteria: Invitae Variant Classification Sherloc (09022015). Collection method: clinical testing. Allele origin: germline.
Comment: This sequence change replaces isoleucine, which is neutral and non-polar, with leucine, which is neutral and non-polar, at codon 1167 of the BRCA2 protein (p.Ile1167Leu). This variant is not present in population databases (gnomAD no frequency). This variant has not been reported in the literature in individuals affected with BRCA2-related conditions. ClinVar contains an entry for this variant (Variation ID: 3673345). Invitae Evidence Modeling of protein sequence and biophysical properties (such as structural, functional, and spatial information, amino acid conservation, physicochemical variation, residue mobility, and thermodynamic stability) indicates that this missense variant is not expected to disrupt BRCA2 protein function with a negative predictive value of 95%. In summary, the available evidence is currently insufficient to determine the role of this variant in disease. Therefore, it has been classified as a Variant of Uncertain Significance.

Ambry Genetics
Classification: Likely benign for Hereditary cancer-predisposing syndrome. Last evaluated: 2025-12-02. Review status: criteria provided, single submitter. Criteria: Ambry Variant Classification Scheme 2023. Collection method: clinical testing. Allele origin: germline.

NM_000059.4(BRCA2):c.3499A>C (p.Ile1167Leu)

Gene: BRCA2 (BRCA2 DNA repair associated; plus strand). Cytogenetic location: 13q13.1.
Variant type: single nucleotide variant.
Coding change: c.3499A>C on transcript NM_000059.4 (MANE Select); coding-DNA position 3499, A replaced by C.
Protein change: p.Ile1167Leu; replaces isoleucine 1167 with leucine.
Molecular consequence: missense variant. On other transcripts: non-coding transcript variant (1), intron variant (2).
Genome position (GRCh38, 1-based): chr13:32,337,854, A>C. VCF-style: chr13-32337854-A-C. GRCh37 (hg19) VCF-style: chr13-32911991-A-C.
Other names: c.3499A>C, p.Ile1167Leu (NM_001406719.1, NM_001406720.1, NM_001432077.1); c.1909+4467A>C (NM_001406721.1); c.425-6704A>C (NM_001406722.1); short protein forms I1167L.
Identifiers: ClinVar variation 3673345 (VCV003673345.3).